The following is an entry in ClinVar:

ClinVar aggregate classification (germline): Uncertain significance. Review status: criteria provided, multiple submitters, no conflicts (2 of 4 stars). 2 submissions from 2 submitters: Uncertain significance (2). Last evaluated 2025-04-07.

Conditions:
Immunodeficiency 35 (IMD35). Also called: HIES WITH ATYPICAL MYCOBACTERIOSIS, AUTOSOMAL RECESSIVE; HYPER-IgE SYNDROME WITH ATYPICAL MYCOBACTERIOSIS, AUTOSOMAL RECESSIVE; TYK2 DEFICIENCY; Susceptibility to infection due to TYK2 deficiency. Identifiers: Orphanet 331226, MedGen C1969086, MONDO:0012682, OMIM 611521.

gnomAD v4.1: 16 of 1,614,114 alleles (0.00099%); highest among the groups gnomAD compares: South Asian, 0.0022%; no homozygotes.

Submissions (2):

Labcorp Genetics (formerly Invitae), Labcorp
Classification: Uncertain significance for Immunodeficiency 35. Last evaluated: 2025-04-07. Review status: criteria provided, single submitter. Criteria: Invitae Variant Classification Sherloc (09022015). Collection method: clinical testing. Allele origin: germline.
Comment: This sequence change replaces glutamic acid, which is acidic and polar, with lysine, which is basic and polar, at codon 315 of the TYK2 protein (p.Glu315Lys). This variant is not present in population databases (gnomAD no frequency). This variant has not been reported in the literature in individuals affected with TYK2-related conditions. Invitae Evidence Modeling of protein sequence and biophysical properties (such as structural, functional, and spatial information, amino acid conservation, physicochemical variation, residue mobility, and thermodynamic stability) indicates that this missense variant is not expected to disrupt TYK2 protein function with a negative predictive value of 80%. In summary, the available evidence is currently insufficient to determine the role of this variant in disease. Therefore, it has been classified as a Variant of Uncertain Significance.

Blueprint Genetics
Classification: Uncertain significance. Last evaluated: 2024-10-14. Review status: criteria provided, single submitter. Criteria: ACMG Guidelines, 2015. Collection method: clinical testing. Allele origin: germline.

NM_003331.5(TYK2):c.943G>A (p.Glu315Lys)

Gene: TYK2 (tyrosine kinase 2; minus strand). Cytogenetic location: 19p13.2.
Variant type: single nucleotide variant.
Coding change: c.943G>A on transcript NM_003331.5 (MANE Select); coding-DNA position 943, G replaced by A.
Protein change: p.Glu315Lys; replaces glutamic acid 315 with lysine.
Molecular consequence: missense variant.
Genome position (GRCh38, 1-based): chr19:10,365,585, C>T on the plus strand (G>A on the coding strand, the complement: TYK2 is on the minus strand). VCF-style: chr19-10365585-C-T. GRCh37 (hg19) VCF-style: chr19-10476261-C-T.
Other names: c.943G>A, p.Glu315Lys (NM_001385197.1, NM_001385198.1, NM_001385199.1 and 8 more transcripts); c.853G>A, p.Glu285Lys (NM_001385205.1); short protein forms E285K, E315K.
Identifiers: ClinVar variation 4805919 (VCV004805919.2).